The following is an entry in ClinVar:

Conditions:
Breast-ovarian cancer, familial, susceptibility to, 1 (BROVCA1). Also called: BRCA1 Hereditary Breast and Ovarian Cancer; OVARIAN CANCER, SUSCEPTIBILITY TO. Identifiers: Orphanet 145, MedGen C2676676, MONDO:0011450, OMIM 604370. Disease mechanism: loss of function.

Submission:

Brotman Baty Institute, University of Washington
No classification provided (evidence only). Condition: Breast-ovarian cancer, familial 1. Review status: no classification provided. Collection method: in vitro. Allele origin: not applicable. Functional consequence: functionally_normal.
ClinVar note: "not provided" was previously submitted as the classification for the variant. However, the classification appeared to be based only on an observation of functional data so it was converted to no classification on 2025-07-30.

NM_007294.4(BRCA1):c.241C>A (p.Gln81Lys)

Gene: BRCA1 (BRCA1 DNA repair associated; minus strand). Cytogenetic location: 17q21.31.
Variant type: single nucleotide variant.
Coding change: c.241C>A on transcript NM_007294.4 (MANE Select); coding-DNA position 241, C replaced by A.
Protein change: p.Gln81Lys; replaces glutamine 81 with lysine.
Molecular consequence: missense variant. On other transcripts: non-coding transcript variant (1).
Genome position (GRCh38, 1-based): chr17:43,104,928, G>T on the plus strand (C>A on the coding strand, the complement: BRCA1 is on the minus strand). VCF-style: chr17-43104928-G-T. GRCh37 (hg19) VCF-style: chr17-41256945-G-T.
Other names: c.100C>A, p.Gln34Lys (NM_001407747.1, NM_001407748.1, NM_001407749.1 and 99 more transcripts); c.31C>A, p.Gln11Lys (NM_001407853.1, NM_001407879.1, NM_001407881.1 and 58 more transcripts); c.241C>A, p.Gln81Lys (NM_001407854.1, NM_001407858.1, NM_001407859.1 and 168 more transcripts); c.163C>A, p.Gln55Lys (NM_001407862.1, NM_001407874.1, NM_001407875.1 and 21 more transcripts); c.-141C>A (NM_001407959.1, NM_001407960.1, NM_001407962.1 and 4 more transcripts); c.109C>A, p.Gln37Lys (NM_001408451.1); short protein forms Q81K, Q34K, Q37K, Q55K, Q11K.
Identifiers: ClinVar variation 865598 (VCV000865598.3), dbSNP rs80357350, ClinGen allele CA10601675.